The following is an entry in ClinVar:

NC_000020.11:g.25302218_25320318del

Genes: ABHD12 (abhydrolase domain containing 12, lysophospholipase; minus strand), LOC130065580 (ATAC-STARR-seq lymphoblastoid active region 17668; plus strand), LOC130065579 (ATAC-STARR-seq lymphoblastoid active region 17667; plus strand), LOC130065581 (ATAC-STARR-seq lymphoblastoid silent region 12747; plus strand), LOC126863008 (CDK7 strongly-dependent group 2 enhancer GRCh37_chr20:25289826-25291025; plus strand). Cytogenetic location: 20p11.21.
Variant type: Deletion.
Identifiers: ClinVar variation 3252004 (VCV003252004.2).

ClinVar aggregate classification (germline): Likely pathogenic (1 of 4 stars; one submission).

Conditions:
PHARC syndrome. Also called: Polyneuropathy-hearing loss-ataxia-retinitis pigmentosa-cataract syndrome. Identifiers: Orphanet 171848, MedGen C2675204, MONDO:0012984, OMIM 612674.

Submission:

Ma Clinic, Aier Eye Hospital
Classification: Likely pathogenic for PHARC syndrome. Last evaluated: 2024-06-20. Review status: criteria provided, single submitter. Criteria: ACMG Guidelines, 2015. Collection method: clinical testing. Allele origin: germline. Affected: yes.
Comment: PVS1_Strong+PM2_Supporting+PM3_Supporting